The following is an entry in ClinVar:

NM_000426.4(LAMA2):c.879C>T (p.Ala293=)

Gene: LAMA2 (laminin subunit alpha 2; plus strand). Cytogenetic location: 6q22.33.
Variant type: single nucleotide variant.
Coding change: c.879C>T on transcript NM_000426.4 (MANE Select); coding-DNA position 879, C replaced by T.
Protein change: p.Ala293=; no amino-acid change (alanine 293 retained).
Molecular consequence: synonymous variant.
Genome position (GRCh38, 1-based): chr6:129,147,018, C>T. VCF-style: chr6-129147018-C-T. GRCh37 (hg19) VCF-style: chr6-129468163-C-T.
Other names: c.879C>T, p.Ala293= (NM_001079823.2); c.879C>T (NM_000426.3).
Identifiers: ClinVar variation 1160167 (VCV001160167.12), dbSNP rs148419866, ClinGen allele CA3992452.

ClinVar aggregate classification (germline): Likely benign. Review status: criteria provided, multiple submitters, no conflicts (2 of 4 stars). 3 submissions from 3 submitters: Likely benign (2). 1 of the submissions does not count toward it. Last evaluated 2025-04-29.

Conditions:
LAMA2-related disorder. Also called: LAMA2-related disorders; LAMA2-related condition.
LAMA2-related muscular dystrophy (LAMA2-RD). Also called: Laminin alpha 2-related dystrophy. Identifiers: MedGen C5679788, MONDO:0100228.

Allele frequency attached by ClinVar (database versions not stated): gnomAD exomes 0.00001 and 0.00002; ExAC 0.00002; gnomAD 0.00012; TOPMed 0.00012; ESP Exome Variant Server 0.00015; 1000 Genomes Project 30x 0.00031; 1000 Genomes Project 0.00040.
gnomAD v4.1: 35 of 1,611,250 alleles (0.0022%); highest among the groups gnomAD compares: African/African-American, 0.044%; no homozygotes.

Submissions (3):

Labcorp Genetics (formerly Invitae), Labcorp
Classification: Likely benign for LAMA2-related muscular dystrophy. Last evaluated: 2025-04-29. Review status: criteria provided, single submitter. Criteria: Invitae Variant Classification Sherloc (09022015). Collection method: clinical testing. Allele origin: germline.

Women's Health and Genetics/Laboratory Corporation of America, LabCorp
Classification: Likely benign. Last evaluated: 2025-03-05. Review status: criteria provided, single submitter. Criteria: LabCorp Variant Classification Summary - May 2015. Collection method: clinical testing. Allele origin: germline.

PreventionGenetics, part of Exact Sciences
Classification: Likely benign for LAMA2-related condition. Last evaluated: 2024-01-05. Review status: no assertion criteria provided. Collection method: clinical testing. Allele origin: germline. Not counted in ClinVar's aggregate classification.
Comment: This variant is classified as likely benign based on ACMG/AMP sequence variant interpretation guidelines (Richards et al. 2015 PMID: 25741868, with internal and published modifications).